The following is an entry in ClinVar:

NM_001042492.3(NF1):c.96C>G (p.Thr32=)

Gene: NF1 (neurofibromin 1; plus strand). Cytogenetic location: 17q11.2.
Variant type: single nucleotide variant.
Coding change: c.96C>G on transcript NM_001042492.3 (MANE Select); coding-DNA position 96, C replaced by G.
Protein change: p.Thr32=; no amino-acid change (threonine 32 retained).
Molecular consequence: synonymous variant.
Genome position (GRCh38, 1-based): chr17:31,156,018, C>G. VCF-style: chr17-31156018-C-G. GRCh37 (hg19) VCF-style: chr17-29483036-C-G.
Other names: c.96C>G, p.Thr32= (NM_000267.4, NM_001128147.3).
Identifiers: ClinVar variation 527660 (VCV000527660.8), dbSNP rs1555604886, ClinGen allele CA499232511.

ClinVar aggregate classification (germline): Benign/Likely benign. Review status: criteria provided, multiple submitters, no conflicts (2 of 4 stars). 2 submissions from 2 submitters: Benign (1); Likely benign (1). Last evaluated 2026-09-28.

Conditions:
Neurofibromatosis, type 1 (NF1). Also called: NEUROFIBROMATOSIS, TYPE I, SOMATIC; Peripheral type neurofibromatosis; VON RECKLINGHAUSEN DISEASE; Neurofibromatosis, type I. Identifiers: Orphanet 636, MedGen C0027831, MONDO:0018975, OMIM 162200. Disease mechanism: loss of function.

Submissions (2):

Myriad Genetics, Inc.
Classification: Benign for Neurofibromatosis, type 1. Last evaluated: 2026-09-28. Review status: criteria provided, single submitter. Criteria: Myriad Autosomal Dominant, Autosomal Recessive and X-Linked Classification Criteria (2023). Collection method: clinical testing. Allele origin: unknown.
Comment: This variant is considered benign. This variant is a silent/synonymous amino acid change and it is not expected to impact splicing.

Labcorp Genetics (formerly Invitae), Labcorp
Classification: Likely benign for Neurofibromatosis, type 1. Last evaluated: 2025-11-19. Review status: criteria provided, single submitter. Criteria: Invitae Variant Classification Sherloc (09022015). Collection method: clinical testing. Allele origin: germline.